The following is an entry in ClinVar:

ClinVar aggregate classification (germline): Uncertain significance (1 of 4 stars; one submission).

Conditions:
Imerslund-Grasbeck syndrome. Also called: Imerslund-Gräsbeck syndrome; Megaloblastic anemia due to inborn errors of metabolism; PERNICIOUS ANEMIA, JUVENILE, DUE TO SELECTIVE INTESTINAL MALABSORPTION OF VITAMIN B12, WITH PROTEINURIA; ENTEROCYTE COBALAMIN MALABSORPTION; ENTEROCYTE INTRINSIC FACTOR RECEPTOR, DEFECT OF. Identifiers: Orphanet 35858, MedGen C4551825, MONDO:0009853.

Allele frequency attached by ClinVar (database versions not stated): gnomAD exomes below 0.00001.
gnomAD v4.1: 2 of 1,613,532 alleles (0.00012%); highest among the groups gnomAD compares: Admixed American, 0.0033%; no homozygotes.

Submission:

Labcorp Genetics (formerly Invitae), Labcorp
Classification: Uncertain significance for Imerslund-Grasbeck syndrome. Last evaluated: 2022-08-15. Review status: criteria provided, single submitter. Criteria: Invitae Variant Classification Sherloc (09022015). Collection method: clinical testing. Allele origin: germline.
Comment: This sequence change replaces lysine, which is basic and polar, with glutamic acid, which is acidic and polar, at codon 133 of the CUBN protein (p.Lys133Glu). This variant is present in population databases (no rsID available, gnomAD 0.006%). This variant has not been reported in the literature in individuals affected with CUBN-related conditions. Algorithms developed to predict the effect of missense changes on protein structure and function (SIFT, PolyPhen-2, Align-GVGD) all suggest that this variant is likely to be tolerated. In summary, the available evidence is currently insufficient to determine the role of this variant in disease. Therefore, it has been classified as a Variant of Uncertain Significance.

NM_001081.4(CUBN):c.397A>G (p.Lys133Glu)

Gene: CUBN (cubilin; minus strand). Cytogenetic location: 10p13.
Variant type: single nucleotide variant.
Coding change: c.397A>G on transcript NM_001081.4 (MANE Select); coding-DNA position 397, A replaced by G.
Protein change: p.Lys133Glu; replaces lysine 133 with glutamic acid.
Molecular consequence: missense variant.
Genome position (GRCh38, 1-based): chr10:17,123,680, T>C on the plus strand (A>G on the coding strand, the complement: CUBN is on the minus strand). VCF-style: chr10-17123680-T-C. GRCh37 (hg19) VCF-style: chr10-17165679-T-C.
Other names: short protein forms K133E.
Identifiers: ClinVar variation 2076783 (VCV002076783.1), dbSNP rs1183441142, ClinGen allele CA376168869.